The following is an entry in ClinVar:

ClinVar aggregate classification (germline): Uncertain significance (1 of 4 stars; one submission).

Conditions:
Hypertrophic cardiomyopathy. Also called: HYPERTROPHIC MYOCARDIOPATHY. Identifiers: Orphanet 217569, MedGen C0007194, MeSH D002312, MONDO:0005045, HP:0001639.

Submission:

Labcorp Genetics (formerly Invitae), Labcorp
Classification: Uncertain significance for Hypertrophic cardiomyopathy. Last evaluated: 2025-01-19. Review status: criteria provided, single submitter. Criteria: Invitae Variant Classification Sherloc (09022015). Collection method: clinical testing. Allele origin: germline.
Comment: This sequence change replaces arginine, which is basic and polar, with proline, which is neutral and non-polar, at codon 1796 of the MYH7 protein (p.Arg1796Pro). This variant is not present in population databases (gnomAD no frequency). This variant has not been reported in the literature in individuals affected with MYH7-related conditions. Invitae Evidence Modeling of protein sequence and biophysical properties (such as structural, functional, and spatial information, amino acid conservation, physicochemical variation, residue mobility, and thermodynamic stability) indicates that this missense variant is expected to disrupt MYH7 protein function with a positive predictive value of 95%. In summary, the available evidence is currently insufficient to determine the role of this variant in disease. Therefore, it has been classified as a Variant of Uncertain Significance.

NM_000257.4(MYH7):c.5387G>C (p.Arg1796Pro)

Gene: MYH7 (myosin heavy chain 7; minus strand). Cytogenetic location: 14q11.2.
Variant type: single nucleotide variant.
Coding change: c.5387G>C on transcript NM_000257.4 (MANE Select); coding-DNA position 5387, G replaced by C.
Protein change: p.Arg1796Pro; replaces arginine 1796 with proline.
Molecular consequence: missense variant.
Genome position (GRCh38, 1-based): chr14:23,415,167, C>G on the plus strand (G>C on the coding strand, the complement: MYH7 is on the minus strand). VCF-style: chr14-23415167-C-G. GRCh37 (hg19) VCF-style: chr14-23884376-C-G.
Other names: c.5387G>C, p.Arg1796Pro (NM_001407004.1); short protein forms R1796P.
Identifiers: ClinVar variation 3635992 (VCV003635992.2).